The following is an entry in ClinVar:

ClinVar aggregate classification (germline): Uncertain significance. Review status: criteria provided, multiple submitters, no conflicts (2 of 4 stars). 2 submissions from 2 submitters: Uncertain significance (2). Last evaluated 2024-01-03.

Conditions:
Inborn genetic diseases. Identifiers: MedGen C0950123, MeSH D030342.

Allele frequency attached by ClinVar (database versions not stated): TOPMed below 0.00001; gnomAD 0.00001.
gnomAD v4.1: 3 of 1,510,560 alleles (0.0002%); highest among the groups gnomAD compares: Admixed American, 0.0021%; no homozygotes.

Submissions (2):

Ambry Genetics
Classification: Uncertain significance for Inborn genetic diseases. Last evaluated: 2024-01-03. Review status: criteria provided, single submitter. Criteria: Ambry Variant Classification Scheme 2023. Collection method: clinical testing. Allele origin: germline.

Labcorp Genetics (formerly Invitae), Labcorp
Classification: Uncertain significance. Last evaluated: 2022-10-07. Review status: criteria provided, single submitter. Criteria: Invitae Variant Classification Sherloc (09022015). Collection method: clinical testing. Allele origin: germline.
Comment: In summary, the available evidence is currently insufficient to determine the role of this variant in disease. Therefore, it has been classified as a Variant of Uncertain Significance. Algorithms developed to predict the effect of missense changes on protein structure and function are either unavailable or do not agree on the potential impact of this missense change (SIFT: "Deleterious"; PolyPhen-2: "Benign"; Align-GVGD: "Class C15"). ClinVar contains an entry for this variant (Variation ID: 1378099). This variant has not been reported in the literature in individuals affected with PRDM13-related conditions. This variant is not present in population databases (gnomAD no frequency). This sequence change replaces serine, which is neutral and polar, with tyrosine, which is neutral and polar, at codon 393 of the PRDM13 protein (p.Ser393Tyr).

NM_021620.4(PRDM13):c.1178C>A (p.Ser393Tyr)

Gene: PRDM13 (PR/SET domain 13; plus strand). Cytogenetic location: 6q16.2.
Variant type: single nucleotide variant.
Coding change: c.1178C>A on transcript NM_021620.4 (MANE Select); coding-DNA position 1178, C replaced by A.
Protein change: p.Ser393Tyr; replaces serine 393 with tyrosine.
Molecular consequence: missense variant.
Genome position (GRCh38, 1-based): chr6:99,613,813, C>A. VCF-style: chr6-99613813-C-A. GRCh37 (hg19) VCF-style: chr6-100061689-C-A.
Other names: c.1178C>A (NM_021620.3); short protein forms S393Y.
Identifiers: ClinVar variation 1378099 (VCV001378099.7), dbSNP rs1006325638, ClinGen allele CA143975515.